The following is an entry in ClinVar:

ClinVar aggregate classification (germline): Uncertain significance (1 of 4 stars; one submission).

Conditions:
Familial adenomatous polyposis 1 (FAP1). Also called: FAMILIAL ADENOMATOUS POLYPOSIS 1, ATTENUATED; POLYPOSIS, ADENOMATOUS INTESTINAL. Identifiers: MedGen C2713442, MONDO:0021056, OMIM 175100. Disease mechanism: loss of function.

Submission:

Labcorp Genetics (formerly Invitae), Labcorp
Classification: Uncertain significance for Familial adenomatous polyposis 1. Last evaluated: 2019-04-07. Review status: criteria provided, single submitter. Criteria: Invitae Variant Classification Sherloc (09022015). Collection method: clinical testing. Allele origin: germline.
Comment: This sequence change replaces threonine with proline at codon 1990 of the APC protein (p.Thr1990Pro). The threonine residue is moderately conserved and there is a small physicochemical difference between threonine and proline. This variant is not present in population databases (ExAC no frequency). This variant has not been reported in the literature in individuals with APC-related conditions. Algorithms developed to predict the effect of missense changes on protein structure and function output the following: SIFT: "Tolerated"; PolyPhen-2: "Benign"; Align-GVGD: "Class C0". The proline amino acid residue is found in multiple mammalian species, suggesting that this missense change does not adversely affect protein function. These predictions have not been confirmed by published functional studies and their clinical significance is uncertain. In summary, the available evidence is currently insufficient to determine the role of this variant in disease. Therefore, it has been classified as a Variant of Uncertain Significance.

NM_000038.6(APC):c.5968A>C (p.Thr1990Pro)

Gene: APC (APC regulator of Wnt signaling pathway; plus strand). Cytogenetic location: 5q22.2.
Variant type: single nucleotide variant.
Coding change: c.5968A>C on transcript NM_000038.6 (MANE Select); coding-DNA position 5968, A replaced by C.
Protein change: p.Thr1990Pro; replaces threonine 1990 with proline.
Molecular consequence: missense variant.
Genome position (GRCh38, 1-based): chr5:112,841,562, A>C. VCF-style: chr5-112841562-A-C. GRCh37 (hg19) VCF-style: chr5-112177259-A-C.
Other names: c.5968A>C, p.Thr1990Pro (NM_001127510.3, NM_001354895.2); c.5914A>C, p.Thr1972Pro (NM_001127511.3); c.6022A>C, p.Thr2008Pro (NM_001354896.2); c.5998A>C, p.Thr2000Pro (NM_001354897.2); c.5893A>C, p.Thr1965Pro (NM_001354898.2); c.5884A>C, p.Thr1962Pro (NM_001354899.2); c.5845A>C, p.Thr1949Pro (NM_001354900.2); c.5791A>C, p.Thr1931Pro (NM_001354901.2); and 5 more; short protein forms T1707P, T1899P, T1931P, T1949P, T2000P, T1830P, T1889P, T2008P.
Identifiers: ClinVar variation 846093 (VCV000846093.11), dbSNP rs587778032, ClinGen allele CA16034398.
Genomic context (GRCh38, chr5:112,841,562, plus strand): 5'-AGTTCTCTCAGTGACATTGACCAAGAAAACAACAATAAAGAAAATGAACCTATCAAAGAG[A>C]CTGAGCCCCCTGACTCACAGGGAGAACCAAGTAAACCTCAAGCATCAGGCTATGCTCCTA-3'
Protein context (NP_000029.2, residues 1980-2000): NNKENEPIKE[Thr1990Pro]EPPDSQGEPS